The following is an entry in ClinVar:

ClinVar aggregate classification (germline): Uncertain significance (1 of 4 stars; one submission).

Conditions:
Hereditary cancer-predisposing syndrome. Also called: Tumor predisposition; Hereditary Cancer Syndrome; Hereditary neoplastic syndrome; Neoplastic Syndromes, Hereditary. Identifiers: Orphanet 140162, MedGen C0027672, MeSH D009386, MONDO:0015356.

Submission:

Ambry Genetics
Classification: Uncertain significance for Hereditary cancer-predisposing syndrome. Last evaluated: 2024-06-06. Review status: criteria provided, single submitter. Criteria: Ambry Variant Classification Scheme 2023. Collection method: clinical testing. Allele origin: germline.
Comment: The p.M1431T variant (also known as c.4292T>C), located in coding exon 15 of the APC gene, results from a T to C substitution at nucleotide position 4292. The methionine at codon 1431 is replaced by threonine, an amino acid with similar properties. This amino acid position is conserved. In addition, in silico predictors for this gene do not accurately predict pathogenicity. Based on the available evidence, the clinical significance of this variant remains unclear.

NM_000038.6(APC):c.4292T>C (p.Met1431Thr)

Gene: APC (APC regulator of Wnt signaling pathway; plus strand). Cytogenetic location: 5q22.2.
Variant type: single nucleotide variant.
Coding change: c.4292T>C on transcript NM_000038.6 (MANE Select); coding-DNA position 4292, T replaced by C.
Protein change: p.Met1431Thr; replaces methionine 1431 with threonine.
Molecular consequence: missense variant. On other transcripts: non-coding transcript variant (2).
Genome position (GRCh38, 1-based): chr5:112,839,886, T>C. VCF-style: chr5-112839886-T-C. GRCh37 (hg19) VCF-style: chr5-112175583-T-C.
Other names: c.4346T>C, p.Met1449Thr (NM_001407449.1, NM_001407447.1, NM_001407448.1 and 1 more transcripts); c.4292T>C, p.Met1431Thr (NM_001407450.1, NM_001127510.3, NM_001354895.2); c.4271T>C, p.Met1424Thr (NM_001407451.1); c.4262T>C, p.Met1421Thr (NM_001407452.1); c.4115T>C, p.Met1372Thr (NM_001407453.1, NM_001354901.2); c.3989T>C, p.Met1330Thr (NM_001407458.1, NM_001407459.1, NM_001407460.1 and 1 more transcripts); c.4043T>C, p.Met1348Thr (NM_001407455.1, NM_001407456.1, NM_001407457.1 and 1 more transcripts); c.3905T>C, p.Met1302Thr (NM_001407469.1, NM_001407467.1); and 11 more; short protein forms M1047T, M1148T, M1271T, M1330T, M1421T, M1459T, M1305T, M1390T.
Identifiers: ClinVar variation 3305640 (VCV003305640.1).